The following is an entry in ClinVar:

ClinVar aggregate classification (germline): Uncertain significance (1 of 4 stars; one submission).

Conditions:
DYRK1A-related intellectual disability syndrome (MRD7). Also called: Intellectual developmental disorder, autosomal dominant 7; DYRK1A Syndrome. Identifiers: Orphanet 464306, MedGen C5568143, MONDO:0013578, OMIM 614104.

Allele frequency attached by ClinVar (database versions not stated): ExAC 0.00002; gnomAD 0.00002; TOPMed 0.00004; ESP Exome Variant Server 0.00008.
gnomAD v4.1: 3 of 1,612,570 alleles (0.00019%); highest among the groups gnomAD compares: African/African-American, 0.004%; no homozygotes.

Submission:

Labcorp Genetics (formerly Invitae), Labcorp
Classification: Uncertain significance for DYRK1A-related intellectual disability syndrome. Last evaluated: 2023-03-20. Review status: criteria provided, single submitter. Criteria: Invitae Variant Classification Sherloc (09022015). Collection method: clinical testing. Allele origin: germline.
Comment: ClinVar contains an entry for this variant (Variation ID: 2417151). This variant has not been reported in the literature in individuals affected with DYRK1A-related conditions. This variant is present in population databases (rs141150482, gnomAD 0.007%). This sequence change replaces lysine, which is basic and polar, with glutamic acid, which is acidic and polar, at codon 409 of the DYRK1A protein (p.Lys409Glu). Advanced modeling of protein sequence and biophysical properties (such as structural, functional, and spatial information, amino acid conservation, physicochemical variation, residue mobility, and thermodynamic stability) performed at Invitae indicates that this missense variant is not expected to disrupt DYRK1A protein function. In summary, the available evidence is currently insufficient to determine the role of this variant in disease. Therefore, it has been classified as a Variant of Uncertain Significance.

NM_001347721.2(DYRK1A):c.1198A>G (p.Lys400Glu)

Gene: DYRK1A (dual specificity tyrosine phosphorylation regulated kinase 1A; plus strand). Cytogenetic location: 21q22.13.
Variant type: single nucleotide variant.
Coding change: c.1198A>G on transcript NM_001347721.2 (MANE Select); coding-DNA position 1198, A replaced by G.
Protein change: p.Lys400Glu; replaces lysine 400 with glutamic acid.
Molecular consequence: missense variant.
Genome position (GRCh38, 1-based): chr21:37,496,244, A>G. VCF-style: chr21-37496244-A-G. GRCh37 (hg19) VCF-style: chr21-38868546-A-G.
Other names: c.1198A>G, p.Lys400Glu (NM_001347722.2, NM_130436.2); c.1111A>G, p.Lys371Glu (NM_001347723.2); c.1225A>G, p.Lys409Glu (NM_001396.5, NM_101395.2, NM_130438.2); short protein forms K371E, K400E, K409E.
Identifiers: ClinVar variation 2417151 (VCV002417151.7), dbSNP rs141150482, ClinGen allele CA10023932.